The following is an entry in ClinVar:

NM_170707.4(LMNA):c.1592T>A (p.Ile531Asn)

Gene: LMNA (lamin A/C; plus strand). Cytogenetic location: 1q22.
Variant type: single nucleotide variant.
Coding change: c.1592T>A on transcript NM_170707.4 (MANE Select); coding-DNA position 1592, T replaced by A.
Protein change: p.Ile531Asn; replaces isoleucine 531 with asparagine.
Molecular consequence: missense variant.
Genome position (GRCh38, 1-based): chr1:156,137,216, T>A. VCF-style: chr1-156137216-T-A. GRCh37 (hg19) VCF-style: chr1-156107007-T-A.
Other names: c.1256T>A, p.Ile419Asn (NM_001257374.3); c.1349T>A, p.Ile450Asn (NM_001282624.2); c.1592T>A, p.Ile531Asn (NM_001282625.2, NM_001282626.2, NM_005572.4 and 1 more transcripts); short protein forms I419N, I531N, I450N.
Identifiers: ClinVar variation 1432249 (VCV001432249.8), dbSNP rs1464388906, ClinGen allele CA342823548.

ClinVar aggregate classification (germline): Uncertain significance (1 of 4 stars; one submission).

Conditions:
Charcot-Marie-Tooth disease type 2. Also called: Charcot-Marie-Tooth type 2. Identifiers: Orphanet 64746, MedGen C0270914, MONDO:0018993.

Allele frequency attached by ClinVar (database versions not stated): TOPMed 0.00001; gnomAD 0.00001.
gnomAD v4.1: 2 of 1,589,622 alleles (0.00013%); highest among the groups gnomAD compares: African/African-American, 0.0027%; no homozygotes.

Submission:

Labcorp Genetics (formerly Invitae), Labcorp
Classification: Uncertain significance for Charcot-Marie-Tooth disease type 2. Last evaluated: 2021-05-31. Review status: criteria provided, single submitter. Criteria: Invitae Variant Classification Sherloc (09022015). Collection method: clinical testing. Allele origin: germline.
Comment: In summary, the available evidence is currently insufficient to determine the role of this variant in disease. Therefore, it has been classified as a Variant of Uncertain Significance. Algorithms developed to predict the effect of missense changes on protein structure and function (SIFT, PolyPhen-2, Align-GVGD) all suggest that this variant is likely to be disruptive, but these predictions have not been confirmed by published functional studies and their clinical significance is uncertain. This variant has not been reported in the literature in individuals with LMNA-related conditions. This variant is not present in population databases (ExAC no frequency). This sequence change replaces isoleucine with asparagine at codon 531 of the LMNA protein (p.Ile531Asn). The isoleucine residue is highly conserved and there is a large physicochemical difference between isoleucine and asparagine.